The following is an entry in ClinVar:

ClinVar aggregate classification (germline): Uncertain significance (1 of 4 stars; one submission).

Allele frequency attached by ClinVar (database versions not stated): TOPMed below 0.00001; gnomAD 0.00001; gnomAD exomes 0.00001; ExAC 0.00002.
gnomAD v4.1: 14 of 1,614,096 alleles (0.00087%); highest among the groups gnomAD compares: African/African-American, 0.0027%; no homozygotes.

Submission:

Labcorp Genetics (formerly Invitae), Labcorp
Classification: Uncertain significance. Last evaluated: 2024-06-03. Review status: criteria provided, single submitter. Criteria: Invitae Variant Classification Sherloc (09022015). Collection method: clinical testing. Allele origin: germline.
Comment: This sequence change replaces glutamic acid, which is acidic and polar, with lysine, which is basic and polar, at codon 376 of the KANK4 protein (p.Glu376Lys). This variant is present in population databases (rs149755007, gnomAD 0.004%). This variant has not been reported in the literature in individuals affected with KANK4-related conditions. ClinVar contains an entry for this variant (Variation ID: 2175664). Algorithms developed to predict the effect of missense changes on protein structure and function output the following: SIFT: "Not Available"; PolyPhen-2: "Benign"; Align-GVGD: "Not Available". The lysine amino acid residue is found in multiple mammalian species, which suggests that this missense change does not adversely affect protein function. In summary, the available evidence is currently insufficient to determine the role of this variant in disease. Therefore, it has been classified as a Variant of Uncertain Significance.

NM_181712.5(KANK4):c.1126G>A (p.Glu376Lys)

Gene: KANK4 (KN motif and ankyrin repeat domains 4; minus strand). Cytogenetic location: 1p31.3.
Variant type: single nucleotide variant.
Coding change: c.1126G>A on transcript NM_181712.5 (MANE Select); coding-DNA position 1126, G replaced by A.
Protein change: p.Glu376Lys; replaces glutamic acid 376 with lysine.
Molecular consequence: missense variant. On other transcripts: intron variant (1).
Genome position (GRCh38, 1-based): chr1:62,273,978, C>T on the plus strand (G>A on the coding strand, the complement: KANK4 is on the minus strand). VCF-style: chr1-62273978-C-T. GRCh37 (hg19) VCF-style: chr1-62739650-C-T.
Other names: c.17-2389G>A (NM_001320269.2); short protein forms E376K.
Identifiers: ClinVar variation 2175664 (VCV002175664.4), dbSNP rs149755007, ClinGen allele CA884437.
Genomic context (GRCh38, chr1:62,273,978, plus strand): 5'-CTTCCAGTTGGGCTACAGTGAACTCCAGCTCTCGAATTCTTTGCTCCCTAGCTTTGATTT[C>T]CTCTTCCTGCTGCTGGAGAGCAGTTCTGACCTGTGCCAGTTCCTCGGTTCTTCCAGACAA-3'
Protein context (NP_859063.3, residues 366-386): VRTALQQQEE[Glu376Lys]IKAREQRIRE